The following is an entry in ClinVar:

ClinVar aggregate classification (germline): Uncertain significance (1 of 4 stars; one submission).

Conditions:
KSR2-related disorder. Also called: KSR2-related condition.

Submission:

PreventionGenetics, part of Exact Sciences
Classification: Uncertain significance for KSR2-related condition. Last evaluated: 2025-07-01. Review status: criteria provided, single submitter. Criteria: ACMG Guidelines, 2015. Collection method: clinical testing. Allele origin: germline.
Comment: The KSR2 c.2668C>T variant is predicted to result in the amino acid substitution p.Pro890Ser. To our knowledge, this variant has not been reported in the literature or in a large population database, indicating this variant is rare. At this time, the clinical significance of this variant is uncertain due to the absence of conclusive functional and genetic evidence.

NM_173598.6(KSR2):c.2755C>T (p.Pro919Ser)

Gene: KSR2 (kinase suppressor of ras 2; minus strand). Cytogenetic location: 12q24.22.
Variant type: single nucleotide variant.
Coding change: c.2755C>T on transcript NM_173598.6 (MANE Select); coding-DNA position 2755, C replaced by T.
Protein change: p.Pro919Ser; replaces proline 919 with serine.
Molecular consequence: missense variant.
Genome position (GRCh38, 1-based): chr12:117,469,753, G>A on the plus strand (C>T on the coding strand, the complement: KSR2 is on the minus strand). VCF-style: chr12-117469753-G-A. GRCh37 (hg19) VCF-style: chr12-117907558-G-A.
Other names: short protein forms P919S.
Identifiers: ClinVar variation 4990316 (VCV004990316.1).